The following is an entry in ClinVar:

NM_002524.5(NRAS):c.34_35delinsTT (p.Gly12Phe)

Gene: NRAS (NRAS proto-oncogene, GTPase; minus strand). Cytogenetic location: 1p13.2.
Variant type: Indel.
Coding change: c.34_35delinsTT on transcript NM_002524.5 (MANE Select); coding-DNA positions 34 to 35, GG replaced by TT.
Protein change: p.Gly12Phe; replaces glycine 12 with phenylalanine.
Molecular consequence: missense variant.
Genome position (GRCh38, 1-based): chr1:114,716,126-114,716,127, CC replaced by AA on the plus strand (GG replaced by TT on the coding strand, the reverse complement: NRAS is on the minus strand). VCF-style: chr1-114716126-CC-AA. GRCh37 (hg19) VCF-style: chr1-115258747-CC-AA.
Other names: short protein forms G12F.
Identifiers: ClinVar variation 3029607 (VCV003029607.2), dbSNP rs2101744255, ClinGen allele CA2580617805.

ClinVar aggregate classification (germline): Likely pathogenic (0 of 4 stars; one submission).

Conditions:
NRAS-related disorder. Also called: NRAS-related condition.

Submission:

PreventionGenetics, part of Exact Sciences
Classification: Likely pathogenic for NRAS-related condition. Last evaluated: 2024-01-10. Review status: no assertion criteria provided. Collection method: clinical testing. Allele origin: germline.
Comment: The NRAS c.34_35delinsTT variant is predicted to result in an in-frame deletion and insertion. This variant has been reported in an individual with Noonan syndrome (Bessis et al. 2019. PubMed ID: 30417923. Table S4). Of note, different missense substitutions at this same codon (c.34G>A,p.Gly12Ser; c.34G>T,p.Gly12Cys; c.34G>C,p.Gly12Arg; c.35G>A,p.Gly12Asp; c.35G>C,p.Gly12Ala; c.35G>T,p.Gly12Val) have been reported in association with NRAS-related diseases (Holmfeldt et al. 2013. PubMed ID: 23334668; Altmüller et al. 2017. PubMed ID: 28594414; Bertola et al. 2020. PubMed ID: 33128510; Platt et al. 2021. PubMed ID: 32888943) suggesting that substitution of amino acid residue p.Gly12 is not tolerated. This variant has not been reported in a large population database, indicating this variant is rare. This variant is interpreted as likely pathogenic.